The following is an entry in ClinVar:

ClinVar aggregate classification (germline): Likely pathogenic. Review status: criteria provided, multiple submitters, no conflicts (2 of 4 stars). 2 submissions from 2 submitters: Likely pathogenic (2). Last evaluated 2023-01-16.

Conditions:
SYN1-related disorder. Also called: SYN1-Related Disorders; SYN1-related condition.
Epilepsy, X-linked 1, with variable learning disabilities and behavior disorders. Also called: X-linked epilepsy-learning disabilities-behavior disorders syndrome. Identifiers: Orphanet 85294, MedGen C5774177, MONDO:0010339, OMIM 300491.

Submissions (3):

Institute of Human Genetics, University of Leipzig Medical Center
Classification: Likely pathogenic for Epilepsy, X-linked 1, with variable learning disabilities and behavior disorders. Last evaluated: 2023-01-16. Review status: criteria provided, single submitter. Criteria: ACMG Guidelines, 2015. Collection method: clinical testing. Allele origin: maternal. Affected: yes.

PreventionGenetics, part of Exact Sciences
Classification: Likely pathogenic for SYN1-related condition. Last evaluated: 2022-09-23. Review status: criteria provided, single submitter. Criteria: ACMG Guidelines, 2015. Collection method: clinical testing. Allele origin: germline.
Comment: The SYN1 c.838-2A>G variant is predicted to disrupt the AG splice acceptor site and interfere with normal splicing. To our knowledge, this variant has not been reported in the literature or in a large population database, indicating this variant is rare. Variants that disrupt the consensus splice acceptor site in SYN1 are expected to be pathogenic. This variant is interpreted as likely pathogenic.

Human Development and Health, University of Southampton
No classification provided (evidence only). Review status: no classification provided. Collection method: in vitro. Allele origin: not applicable. Functional consequence: sequence_variant_affecting_splicing. Not counted in ClinVar's aggregate classification.
ClinVar note: "not provided" was previously submitted as the classification for the variant. However, the classification appeared to be based only on an observation of functional data so it was converted to no classification on 2025-07-30.

NM_006950.3(SYN1):c.838-2A>G

Gene: SYN1 (synapsin I; minus strand). Cytogenetic location: Xp11.3.
Variant type: single nucleotide variant.
Coding change: c.838-2A>G on transcript NM_006950.3 (MANE Select); the canonical splice acceptor site of the intron before coding-DNA position 838, A replaced by G.
Molecular consequence: splice acceptor variant.
Genome position (GRCh38, 1-based): chrX:47,576,642, T>C on the plus strand (A>G on the coding strand, the complement: SYN1 is on the minus strand). VCF-style: chrX-47576642-T-C. GRCh37 (hg19) VCF-style: chrX-47436041-T-C.
Other names: c.838-2A>G (NM_133499.2).
Identifiers: ClinVar variation 1344553 (VCV001344553.5), dbSNP rs2147913419, ClinGen allele CA412827552.